The following is an entry in ClinVar:

NM_000969.5(RPL5):c.336del (p.Arg112fs)

Genes: DIPK1A (divergent protein kinase domain 1A; minus strand), RPL5 (ribosomal protein L5; plus strand). Cytogenetic location: 1p22.1.
Variant type: Deletion.
Coding change: c.336del on transcript NM_000969.5 (MANE Select); coding-DNA position 336, one base deleted (G; older notation c.336delG).
Protein change: p.Arg112fs; shifts the reading frame from arginine 112.
Molecular consequence: frameshift variant. On other transcripts: intron variant (1).
Genome position (GRCh38, 1-based): chr1:92,836,201, G deleted; the last of 2 consecutive G bases (chr1:92,836,200-92,836,201); deleting either gives the same sequence. VCF-style (leftmost placement, unchanged base first): chr1-92836199-AG-A. GRCh37 (hg19) VCF-style: chr1-93301756-AG-A.
Other names: c.475-3166del (NM_001252273.2); short protein forms R112fs.
Identifiers: ClinVar variation 4531714 (VCV004531714.1).
Genomic context (GRCh38, chr1:92,836,199, plus strand): 5'-TAGAGCAGTTTGAATAATTGAAACCAGCATTTACATTGGTTTCTTGAATAGCTTCTCAAT[AG>A]GTTTGGCATGGACAAGATCTATGAAGGCCAAGTGGAGGTGACTGGTGATGAATACAATGT-3'

ClinVar aggregate classification (germline): Pathogenic (1 of 4 stars; one submission).

Conditions:
Diamond-Blackfan anemia 6 (DBA6). Also called: RPL5-Related Diamond-Blackfan Anemia. Identifiers: Orphanet 124, MedGen C2931850, MONDO:0012937, OMIM 612561.

Submission:

Victorian Clinical Genetics Services, Murdoch Childrens Research Institute
Classification: Pathogenic for Diamond-Blackfan anemia 6. Last evaluated: 2024-10-15. Review status: criteria provided, single submitter. Criteria: ACMG Guidelines, 2015. Collection method: clinical testing. Allele origin: germline. Affected: yes.
Comment: This variant is classified as Pathogenic. Evidence in support of pathogenic classification: Variant is predicted to cause nonsense-mediated decay (NMD) and loss of protein (premature termination codon is located at least 54 nucleotides upstream of the final exon-exon junction); Variant is absent from gnomAD (v2, v3 and v4); This variant has moderate previous evidence of pathogenicity in unrelated individuals. This variant has been reported as de novo in an individual with Diamond-Blackfan anaemia (PMID: 19773262). - Other NMD-predicted variant(s) comparable to the one identified in this case have very strong previous evidence for pathogenicity (DECIPHER). Additional information: This variant is heterozygous; This gene is associated with autosomal dominant disease; No published functional evidence has been identified for this variant; Loss of function is a known mechanism of disease in this gene and is associated with Diamond-Blackfan anaemia 6 (MIM#612561); Inheritance information for this variant is not currently available in this individual.

Literature cited by the submitters: PubMed 19773262.